The following is an entry in ClinVar:

NM_001378454.1(ALMS1):c.10973G>A (p.Arg3658Gln)

Gene: ALMS1 (ALMS1 centrosome and basal body associated protein; plus strand). Cytogenetic location: 2p13.1.
Variant type: single nucleotide variant.
Coding change: c.10973G>A on transcript NM_001378454.1 (MANE Select); coding-DNA position 10973, G replaced by A.
Protein change: p.Arg3658Gln; replaces arginine 3658 with glutamine.
Molecular consequence: missense variant.
Genome position (GRCh38, 1-based): chr2:73,572,850, G>A. VCF-style: chr2-73572850-G-A. GRCh37 (hg19) VCF-style: chr2-73799977-G-A.
Other names: c.10976G>A, p.Arg3659Gln (NM_015120.4); short protein forms R3659Q, R3658Q.
Identifiers: ClinVar variation 550072 (VCV000550072.10), dbSNP rs781344338, ClinGen allele CA1715094.

ClinVar aggregate classification (germline): Uncertain significance. Review status: criteria provided, multiple submitters, no conflicts (2 of 4 stars). 6 submissions from 6 submitters: Uncertain significance (5). 1 of the submissions does not count toward it. Last evaluated 2025-01-06.

Conditions:
Cardiovascular phenotype. Identifiers: MedGen CN230736.
Alstrom syndrome (ALMS). Identifiers: Orphanet 64, MedGen C0268425, MONDO:0008763, OMIM 203800.

Allele frequency attached by ClinVar (database versions not stated): gnomAD 0.00001; TOPMed 0.00001; gnomAD exomes 0.00004 and 0.00009; ExAC 0.00010.
gnomAD v4.1: 57 of 1,613,952 alleles (0.0035%); highest among the groups gnomAD compares: South Asian, 0.038%; no homozygotes.

Submissions (6):

Labcorp Genetics (formerly Invitae), Labcorp
Classification: Uncertain significance for Alstrom syndrome. Last evaluated: 2025-01-06. Review status: criteria provided, single submitter. Criteria: Invitae Variant Classification Sherloc (09022015). Collection method: clinical testing. Allele origin: germline.
Comment: This sequence change replaces arginine, which is basic and polar, with glutamine, which is neutral and polar, at codon 3659 of the ALMS1 protein (p.Arg3659Gln). This variant is present in population databases (rs781344338, gnomAD 0.04%). This variant has not been reported in the literature in individuals affected with ALMS1-related conditions. ClinVar contains an entry for this variant (Variation ID: 550072). An algorithm developed to predict the effect of missense changes on protein structure and function outputs the following: PolyPhen-2: "Not Available". The glutamine amino acid residue is found in multiple mammalian species, which suggests that this missense change does not adversely affect protein function. In summary, the available evidence is currently insufficient to determine the role of this variant in disease. Therefore, it has been classified as a Variant of Uncertain Significance.

Blueprint Genetics
Classification: Uncertain significance. Last evaluated: 2024-07-09. Review status: criteria provided, single submitter. Criteria: ACMG Guidelines, 2015. Collection method: clinical testing. Allele origin: germline.

Ambry Genetics
Classification: Uncertain significance for Cardiovascular phenotype. Last evaluated: 2022-11-03. Review status: criteria provided, single submitter. Criteria: Ambry Variant Classification Scheme 2023. Collection method: clinical testing. Allele origin: germline.
Comment: The p.R3659Q variant (also known as c.10976G>A), located in coding exon 16 of the ALMS1 gene, results from a G to A substitution at nucleotide position 10976. The arginine at codon 3659 is replaced by glutamine, an amino acid with highly similar properties. This amino acid position is poorly conserved in available vertebrate species. In addition, this alteration is predicted to be tolerated by in silico analysis. Since supporting evidence is limited at this time, the clinical significance of this alteration remains unclear.

Fulgent Genetics
Classification: Uncertain significance for Alstrom syndrome. Last evaluated: 2022-02-03. Review status: criteria provided, single submitter. Criteria: ACMG Guidelines, 2015. Collection method: clinical testing. Allele origin: unknown.

GeneDx
Classification: Uncertain significance. Last evaluated: 2020-07-01. Review status: criteria provided, single submitter. Criteria: GeneDx Variant Classification Process June 2021. Collection method: clinical testing. Allele origin: germline. Affected: yes.
Comment: In silico analysis supports that this missense variant does not alter protein structure/function; Has not been previously published as pathogenic or benign to our knowledge

Counsyl
Classification: Uncertain significance for Alstrom syndrome. Last evaluated: 2017-01-05. Review status: no assertion criteria provided. Collection method: clinical testing. Allele origin: unknown. Not counted in ClinVar's aggregate classification.